The following is an entry in ClinVar:

NM_000393.5(COL5A2):c.961-10T>G

Gene: COL5A2 (collagen type V alpha 2 chain; minus strand). Cytogenetic location: 2q32.2.
Variant type: single nucleotide variant.
Coding change: c.961-10T>G on transcript NM_000393.5 (MANE Select); 10 bases into the intron before coding-DNA position 961, T replaced by G.
Molecular consequence: intron variant.
Genome position (GRCh38, 1-based): chr2:189,079,117, A>C on the plus strand (T>G on the coding strand, the complement: COL5A2 is on the minus strand). VCF-style: chr2-189079117-A-C. GRCh37 (hg19) VCF-style: chr2-189943843-A-C.
Identifiers: ClinVar variation 1344557 (VCV001344557.8), dbSNP rs770126461, ClinGen allele CA2022882.

ClinVar aggregate classification (germline): Likely benign. Review status: criteria provided, multiple submitters, no conflicts (2 of 4 stars). 2 submissions from 2 submitters: Likely benign (2). Last evaluated 2025-12-19.

Conditions:
Ehlers-Danlos syndrome, classic type, 1 (EDSCL1). Also called: EHLERS-DANLOS SYNDROME, GRAVIS TYPE; EHLERS-DANLOS SYNDROME, SEVERE CLASSIC TYPE; Ehlers-Danlos syndrome, type 1; EDS I; Ehlers-Danlos Syndrome, Classic Type, COL5A1-Related. Identifiers: MedGen C0268335, MONDO:0019567, OMIM 130000.

Allele frequency attached by ClinVar (database versions not stated): gnomAD exomes 0.00002 and 0.00001; ExAC 0.00001.
gnomAD v4.1: 33 of 1,610,464 alleles (0.002%); highest among the groups gnomAD compares: Non-Finnish European, 0.0027%; no homozygotes.

Submissions (3):

Women's Health and Genetics/Laboratory Corporation of America, LabCorp
Classification: Likely benign. Last evaluated: 2025-12-19. Review status: criteria provided, single submitter. Criteria: LabCorp Variant Classification Summary - May 2015. Collection method: clinical testing. Allele origin: germline.
Comment: Variant summary: COL5A2 c.961-10T>G alters a nucleotide located at a position not widely known to affect splicing. Consensus agreement among computation tools predict no significant impact on normal splicing. However, these predictions have yet to be confirmed by functional studies. The variant allele was found at a frequency of 8e-06 in 250830 control chromosomes. The available data on variant occurrences in the general population are insufficient to allow any conclusion about variant significance. To our knowledge, no occurrence of c.961-10T>G in individuals affected with COL5A2-related conditions and no experimental evidence demonstrating its impact on protein function have been reported. ClinVar contains an entry for this variant (Variation ID: 1344557). Based on the evidence outlined above, the variant was classified as likely benign.

Labcorp Genetics (formerly Invitae), Labcorp
Classification: Likely benign for Ehlers-Danlos syndrome, classic type, 1. Last evaluated: 2023-05-25. Review status: criteria provided, single submitter. Criteria: Invitae Variant Classification Sherloc (09022015). Collection method: clinical testing. Allele origin: germline.

Human Development and Health, University of Southampton
No classification provided (evidence only). Review status: no classification provided. Collection method: in vitro. Allele origin: not applicable. Functional consequence: functionally_normal. Not counted in ClinVar's aggregate classification.
ClinVar note: "not provided" was previously submitted as the classification for the variant. However, the classification appeared to be based only on an observation of functional data so it was converted to no classification on 2025-07-30.